The following is an entry in ClinVar:

ClinVar aggregate classification (germline): Uncertain significance (1 of 4 stars; one submission).

Allele frequency attached by ClinVar (database versions not stated): gnomAD exomes below 0.00001.
gnomAD v4.1: 1 of 1,323,306 alleles (0.000076%); highest among the groups gnomAD compares: Non-Finnish European, 0.0001%; no homozygotes.

Submission:

GeneDx
Classification: Uncertain significance. Last evaluated: 2018-04-04. Review status: criteria provided, single submitter. Criteria: GeneDx Variant Classification (06012015). Collection method: clinical testing. Allele origin: germline. Affected: yes.
Comment: The E13K variant in the BRAF gene has not been reported previously as a pathogenic variant, nor as a benign variant, to our knowledge. The E13K variant is not observed in large population cohorts (Lek et al., 2016). The E13K variant is a non-conservative amino acid substitution, which is likely to impact secondary protein structure as these residues differ in polarity, charge, size and/or other properties. In-silico analyses, including protein predictors and evolutionary conservation, support that this variant does not alter protein structure/function. The majority of missense variants in this gene are considered pathogenic (Stenson et al., 2014). We interpret E13K as a variant of uncertain significance

NM_004333.6(BRAF):c.37G>A (p.Glu13Lys)

Gene: BRAF (B-Raf proto-oncogene, serine/threonine kinase; minus strand). Cytogenetic location: 7q34.
Variant type: single nucleotide variant.
Coding change: c.37G>A on transcript NM_004333.6 (MANE Select); coding-DNA position 37, G replaced by A.
Protein change: p.Glu13Lys; replaces glutamic acid 13 with lysine.
Molecular consequence: missense variant.
Genome position (GRCh38, 1-based): chr7:140,924,667, C>T on the plus strand (G>A on the coding strand, the complement: BRAF is on the minus strand). VCF-style: chr7-140924667-C-T. GRCh37 (hg19) VCF-style: chr7-140624467-C-T.
Other names: c.37G>A, p.Glu13Lys (NM_001354609.2, NM_001374244.1, NM_001374258.1 and 7 more transcripts); short protein forms E13K.
Identifiers: ClinVar variation 561353 (VCV000561353.1), dbSNP rs1563042573, ClinGen allele CA369590226.
Genomic context (GRCh38, chr7:140,924,667, plus strand): 5'-CGCCGGCGCCGGCGCCGGCCTCGGGCTCCATGTCCCCGTTGAACAGAGCCTGGCCCGGCT[C>T]CGCGCCGCCACCACCGCCACCGCTCAGCGCCGCCATCTTATAACCGAGAGCCGGGGCCCG-3'
Protein context (NP_004324.2, residues 3-23): ALSGGGGGGA[Glu13Lys]PGQALFNGDM